The following is an entry in ClinVar:

ClinVar aggregate classification (germline): Uncertain significance. Review status: criteria provided, multiple submitters, no conflicts (2 of 4 stars). 2 submissions from 2 submitters: Uncertain significance (2). Last evaluated 2025-09-19.

Conditions:
Hereditary cancer-predisposing syndrome. Also called: Hereditary neoplastic syndrome; Neoplastic Syndromes, Hereditary; Tumor predisposition; Hereditary Cancer Syndrome. Identifiers: Orphanet 140162, MedGen C0027672, MeSH D009386, MONDO:0015356.
Familial cancer of breast. Also called: BREAST CANCER, FAMILIAL; Hereditary breast cancer; hereditary breast carcinoma. Identifiers: Orphanet 227535, MedGen C0346153, MONDO:0016419, OMIM 114480. Disease mechanism: loss of function.

Submissions (2):

Labcorp Genetics (formerly Invitae), Labcorp
Classification: Uncertain significance for Familial cancer of breast. Last evaluated: 2025-09-19. Review status: criteria provided, single submitter. Criteria: Invitae Variant Classification Sherloc (09022015). Collection method: clinical testing. Allele origin: germline.
Comment: This sequence change replaces glycine, which is neutral and non-polar, with glutamic acid, which is acidic and polar, at codon 116 of the CHEK2 protein (p.Gly116Glu). This variant is not present in population databases (gnomAD no frequency). This variant has not been reported in the literature in individuals affected with CHEK2-related conditions. ClinVar contains an entry for this variant (Variation ID: 185681). An algorithm developed to predict the effect of missense changes on protein structure and function (PolyPhen-2) suggests that this variant is likely to be disruptive. In summary, the available evidence is currently insufficient to determine the role of this variant in disease. Therefore, it has been classified as a Variant of Uncertain Significance.

Ambry Genetics
Classification: Uncertain significance for Hereditary cancer-predisposing syndrome. Last evaluated: 2023-02-26. Review status: criteria provided, single submitter. Criteria: Ambry Variant Classification Scheme 2023. Collection method: clinical testing. Allele origin: germline.
Comment: The p.G116E variant (also known as c.347G>A), located in coding exon 2 of the CHEK2 gene, results from a G to A substitution at nucleotide position 347. The glycine at codon 116 is replaced by glutamic acid, an amino acid with similar properties. A different alteration at this position, p.G116A, was reported in conjunction with CHEK2 p.R117A in a primary prostate cancer tumor and, together, these two alterations completely abolished CHEK2 kinase activity (Wu X et al, Hum. Mutat. 2006 Aug; 27(8):742-7). Based on protein sequence alignment, this amino acid position is highly conserved in available vertebrate species. In addition, p.G116E is predicted to be probably damaging and deleterious by PolyPhen and SIFT in silico analyses, respectively. Since supporting evidence is limited at this time, the clinical significance of this alteration remains unclear.

NM_007194.4(CHEK2):c.347G>A (p.Gly116Glu)

Gene: CHEK2 (checkpoint kinase 2; minus strand). Cytogenetic location: 22q12.1.
Variant type: single nucleotide variant.
Coding change: c.347G>A on transcript NM_007194.4 (MANE Select); coding-DNA position 347, G replaced by A.
Protein change: p.Gly116Glu; replaces glycine 116 with glutamic acid.
Molecular consequence: missense variant.
Genome position (GRCh38, 1-based): chr22:28,725,340, C>T on the plus strand (G>A on the coding strand, the complement: CHEK2 is on the minus strand). VCF-style: chr22-28725340-C-T. GRCh37 (hg19) VCF-style: chr22-29121328-C-T.
Other names: c.476G>A, p.Gly159Glu (NM_001005735.3); c.-431G>A (NM_001257387.3); c.347G>A, p.Gly116Glu (NM_001349956.3, NM_145862.3); short protein forms G116E, G159E.
Identifiers: ClinVar variation 185681 (VCV000185681.14), dbSNP rs745943179, ClinGen allele CA192607.